The following is an entry in ClinVar:

ClinVar aggregate classification (germline): Conflicting classifications of pathogenicity. Review status: criteria provided, conflicting classifications (1 of 4 stars). 5 submissions from 5 submitters: Uncertain significance (4); Likely benign (1). Last evaluated 2026-07-20.

Conditions:
CACNA1H-related disorder.
Idiopathic generalized epilepsy. Also called: EIG; Generalised epilepsy. Identifiers: MedGen C0270850, MONDO:0005579, OMIM 600669.
Hyperaldosteronism, familial, type IV (HALD4). Also called: FH IV; ALDOSTERONISM, PRIMARY, AND HYPERTENSION. Identifiers: Orphanet 642671, MedGen C4310756, MONDO:0014875, OMIM 617027.
Inborn genetic diseases. Identifiers: MedGen C0950123, MeSH D030342.
Epilepsy, childhood absence, susceptibility to, 6. Identifiers: Orphanet 64280, MedGen C2749872, MONDO:0012763, OMIM 611942.

Allele frequency attached by ClinVar (database versions not stated): gnomAD 0.00001; TOPMed 0.00002; gnomAD exomes 0.00003 and 0.00005; ExAC 0.00007.
gnomAD v4.1: 43 of 1,604,014 alleles (0.0027%); highest among the groups gnomAD compares: Middle Eastern, 0.036%; no homozygotes.

Submissions (5):

PreventionGenetics, part of Exact Sciences
Classification: Uncertain significance for CACNA1H-related condition. Last evaluated: 2026-07-20. Review status: criteria provided, single submitter. Criteria: ACMG Guidelines, 2015. Collection method: clinical testing. Allele origin: germline.
Comment: The CACNA1H c.4156G>A variant is predicted to result in the amino acid substitution p.Ala1386Thr. This variant was reported in an individual with hemiplegic migraine (Supplementary Table 1, Maksemous et al. 2023. PubMed ID: 36786913). This variant is reported in 0.0098% of alleles in individuals of European (Non-Finnish) descent in gnomAD. At this time, the clinical significance of this variant is uncertain due to the absence of conclusive functional and genetic evidence.

Labcorp Genetics (formerly Invitae), Labcorp
Classification: Uncertain significance for Idiopathic generalized epilepsy; Hyperaldosteronism, familial, type IV. Last evaluated: 2025-10-28. Review status: criteria provided, single submitter. Criteria: Invitae Variant Classification Sherloc (09022015). Collection method: clinical testing. Allele origin: germline.
Comment: This sequence change replaces alanine, which is neutral and non-polar, with threonine, which is neutral and polar, at codon 1386 of the CACNA1H protein (p.Ala1386Thr). This variant is present in population databases (rs766694151, gnomAD 0.01%). This variant has not been reported in the literature in individuals affected with CACNA1H-related conditions. ClinVar contains an entry for this variant (Variation ID: 994570). Invitae Evidence Modeling of protein sequence and biophysical properties (such as structural, functional, and spatial information, amino acid conservation, physicochemical variation, residue mobility, and thermodynamic stability) indicates that this missense variant is not expected to disrupt CACNA1H protein function with a negative predictive value of 80%. In summary, the available evidence is currently insufficient to determine the role of this variant in disease. Therefore, it has been classified as a Variant of Uncertain Significance.

Ambry Genetics
Classification: Uncertain significance for Inborn genetic diseases. Last evaluated: 2025-10-18. Review status: criteria provided, single submitter. Criteria: Ambry Variant Classification Scheme 2023. Collection method: clinical testing. Allele origin: germline.

Fulgent Genetics
Classification: Likely benign for Epilepsy, childhood absence, susceptibility to, 6; Hyperaldosteronism, familial, type IV. Last evaluated: 2024-01-23. Review status: criteria provided, single submitter. Criteria: ACMG Guidelines, 2015. Collection method: clinical testing. Allele origin: germline.

Athena Diagnostics
Classification: Uncertain significance. Last evaluated: 2020-05-11. Review status: criteria provided, single submitter. Criteria: Athena Diagnostics Criteria. Collection method: clinical testing. Allele origin: unknown.

NM_021098.3(CACNA1H):c.4156G>A (p.Ala1386Thr)

Gene: CACNA1H (calcium voltage-gated channel subunit alpha1 H; plus strand). Cytogenetic location: 16p13.3.
Variant type: single nucleotide variant.
Coding change: c.4156G>A on transcript NM_021098.3 (MANE Select); coding-DNA position 4156, G replaced by A.
Protein change: p.Ala1386Thr; replaces alanine 1386 with threonine.
Molecular consequence: missense variant.
Genome position (GRCh38, 1-based): chr16:1,210,904, G>A. VCF-style: chr16-1210904-G-A. GRCh37 (hg19) VCF-style: chr16-1260904-G-A.
Other names: c.4156G>A, p.Ala1386Thr (NM_001005407.2); short protein forms A1386T.
Identifiers: ClinVar variation 994570 (VCV000994570.13), dbSNP rs766694151, ClinGen allele CA7801164.